The following is an entry in ClinVar:

NM_001194998.2(CEP152):c.1170_1173+10dup

Gene: CEP152 (centrosomal protein 152; minus strand). Cytogenetic location: 15q21.1.
Variant type: Duplication.
Coding change: c.1170_1173+10dup on transcript NM_001194998.2 (MANE Select); coding-DNA position 1170 through 10 bases into the intron after coding-DNA position 1173, 14 bases duplicated (ACAGGTTGGGATGA).
Molecular consequence: splice donor variant.
Genome position (GRCh38, 1-based): chr15:48,788,791-48,788,804, TCATCCCAACCTGT duplicated on the plus strand (ACAGGTTGGGATGA on the coding strand, the reverse complement: CEP152 is on the minus strand); duplicating any 14 consecutive bases within chr15:48,788,791-48,788,806 gives the same sequence; the c. name uses the placement nearest the transcript's 3' end. VCF-style (leftmost placement, unchanged base first): chr15-48788790-A-ATCATCCCAACCTGT. GRCh37 (hg19) VCF-style: chr15-49080987-A-ATCATCCCAACCTGT.
Other names: c.1170_1173+10dup (NM_014985.4).
Identifiers: ClinVar variation 1946810 (VCV001946810.5), dbSNP rs1567020227, ClinGen allele CA618009567.

ClinVar aggregate classification (germline): Uncertain significance (1 of 4 stars; one submission).

Submission:

Labcorp Genetics (formerly Invitae), Labcorp
Classification: Uncertain significance. Last evaluated: 2022-04-15. Review status: criteria provided, single submitter. Criteria: Invitae Variant Classification Sherloc (09022015). Collection method: clinical testing. Allele origin: germline.
Comment: In summary, the available evidence is currently insufficient to determine the role of this variant in disease. Therefore, it has been classified as a Variant of Uncertain Significance. Algorithms developed to predict the effect of sequence changes on RNA splicing suggest that this variant may disrupt the consensus splice site. This variant has not been reported in the literature in individuals affected with CEP152-related conditions. This variant is present in population databases (no rsID available, gnomAD 0.006%). This sequence change falls in intron 9 of the CEP152 gene. It does not directly change the encoded amino acid sequence of the CEP152 protein.